The following is an entry in ClinVar:

ClinVar aggregate classification (germline): Uncertain significance (1 of 4 stars; one submission).

Allele frequency attached by ClinVar (database versions not stated): gnomAD exomes below 0.00001 and 0.00001; ExAC 0.00001; TOPMed below 0.00001; gnomAD 0.00001.
gnomAD v4.1: 7 of 1,613,988 alleles (0.00043%); highest among the groups gnomAD compares: Non-Finnish European, 0.00059%; no homozygotes.

Submission:

Labcorp Genetics (formerly Invitae), Labcorp
Classification: Uncertain significance. Last evaluated: 2021-08-18. Review status: criteria provided, single submitter. Criteria: Invitae Variant Classification Sherloc (09022015). Collection method: clinical testing. Allele origin: germline.
Comment: This sequence change replaces aspartic acid with asparagine at codon 506 of the ARSG protein (p.Asp506Asn). The aspartic acid residue is highly conserved and there is a small physicochemical difference between aspartic acid and asparagine. In summary, the available evidence is currently insufficient to determine the role of this variant in disease. Therefore, it has been classified as a Variant of Uncertain Significance. Algorithms developed to predict the effect of missense changes on protein structure and function (SIFT, PolyPhen-2, Align-GVGD) all suggest that this variant is likely to be tolerated. This variant has not been reported in the literature in individuals affected with ARSG-related conditions. This variant is present in population databases (rs777468985, ExAC 0.002%).

NM_001267727.2(ARSG):c.1516G>A (p.Asp506Asn)

Genes: ARSG (arylsulfatase G; plus strand), PRKAR1A (protein kinase cAMP-dependent type I regulatory subunit alpha; plus strand). Cytogenetic location: 17q24.2.
Variant type: single nucleotide variant.
Coding change: c.1516G>A on transcript NM_001267727.2 (MANE Select); coding-DNA position 1516, G replaced by A.
Protein change: p.Asp506Asn; replaces aspartic acid 506 with asparagine.
Molecular consequence: missense variant. On other transcripts: intron variant (3).
Genome position (GRCh38, 1-based): chr17:68,420,401, G>A. VCF-style: chr17-68420401-G-A. GRCh37 (hg19) VCF-style: chr17-66416542-G-A.
Other names: c.1516G>A, p.Asp506Asn (NM_001352899.2, NM_001352900.2, NM_001352901.2 and 2 more transcripts); c.1513G>A, p.Asp505Asn (NM_001352903.2, NM_001352904.2, NM_001352905.2 and 2 more transcripts); c.1303+18951G>A (NM_001352910.2); c.1255+18951G>A (NM_001352909.2); c.-7+6606G>A (NM_001278433.2); short protein forms D505N, D506N.
Identifiers: ClinVar variation 1473623 (VCV001473623.6), dbSNP rs777468985, ClinGen allele CA8728601.